The following is an entry in ClinVar:

ClinVar aggregate classification (germline): Uncertain significance (1 of 4 stars; one submission).

Submission:

Labcorp Genetics (formerly Invitae), Labcorp
Classification: Uncertain significance. Last evaluated: 2022-06-13. Review status: criteria provided, single submitter. Criteria: Invitae Variant Classification Sherloc (09022015). Collection method: clinical testing. Allele origin: germline.
Comment: In summary, the available evidence is currently insufficient to determine the role of this variant in disease. Therefore, it has been classified as a Variant of Uncertain Significance. Algorithms developed to predict the effect of missense changes on protein structure and function are either unavailable or do not agree on the potential impact of this missense change (SIFT: "Deleterious"; PolyPhen-2: "Probably Damaging"; Align-GVGD: "Class C0"). This variant has not been reported in the literature in individuals affected with A2ML1-related conditions. This variant is not present in population databases (gnomAD no frequency). This sequence change replaces cysteine, which is neutral and slightly polar, with arginine, which is basic and polar, at codon 1307 of the A2ML1 protein (p.Cys1307Arg).

NM_144670.6(A2ML1):c.3919T>C (p.Cys1307Arg)

Gene: A2ML1 (alpha-2-macroglobulin like 1; plus strand). Cytogenetic location: 12p13.31.
Variant type: single nucleotide variant.
Coding change: c.3919T>C on transcript NM_144670.6 (MANE Select); coding-DNA position 3919, T replaced by C.
Protein change: p.Cys1307Arg; replaces cysteine 1307 with arginine.
Molecular consequence: missense variant.
Genome position (GRCh38, 1-based): chr12:8,868,043, T>C. VCF-style: chr12-8868043-T-C. GRCh37 (hg19) VCF-style: chr12-9020639-T-C.
Other names: c.2446T>C, p.Cys816Arg (NM_001282424.3); short protein forms C1307R, C816R.
Identifiers: ClinVar variation 2005769 (VCV002005769.4), dbSNP rs2539308451, ClinGen allele CA383844363.